The following is an entry in ClinVar:

ClinVar aggregate classification (germline): Uncertain significance. Review status: criteria provided, multiple submitters, no conflicts (2 of 4 stars). 2 submissions from 2 submitters: Uncertain significance (2). Last evaluated 2026-01-13.

Conditions:
Surfactant metabolism dysfunction, pulmonary, 4 (SMDP4). Also called: CSF2RA DEFICIENCY; PAP DUE TO CSF2RA DEFICIENCY; PULMONARY ALVEOLAR PROTEINOSIS, CONGENITAL, 4. Identifiers: Orphanet 264675, MedGen C2677877, MONDO:0010424, OMIM 300770.
CSF2RA-related disorder. Also called: CSF2RA-related condition.

Allele frequency attached by ClinVar (database versions not stated): gnomAD exomes 0.00004; ExAC 0.00005; TOPMed 0.00002.
gnomAD v4.1: 65 of 1,613,806 alleles (0.004%); highest among the groups gnomAD compares: South Asian, 0.0088%; no homozygotes.

Submissions (2):

PreventionGenetics, part of Exact Sciences
Classification: Uncertain significance for CSF2RA-related condition. Last evaluated: 2026-01-13. Review status: criteria provided, single submitter. Criteria: ACMG Guidelines, 2015. Collection method: clinical testing. Allele origin: germline.
Comment: The CSF2RA c.706C>T variant is predicted to result in the amino acid substitution p.Arg236Trp. To our knowledge, this variant has not been reported in the literature. This variant is reported in 0.0099% of alleles in individuals of Ashkenazi Jewish descent in gnomAD. At this time, the clinical significance of this variant is uncertain due to the absence of conclusive functional and genetic evidence.

Labcorp Genetics (formerly Invitae), Labcorp
Classification: Uncertain significance for Surfactant metabolism dysfunction, pulmonary, 4. Last evaluated: 2022-07-24. Review status: criteria provided, single submitter. Criteria: Invitae Variant Classification Sherloc (09022015). Collection method: clinical testing. Allele origin: germline.
Comment: This sequence change replaces arginine, which is basic and polar, with tryptophan, which is neutral and slightly polar, at codon 236 of the CSF2RA protein (p.Arg236Trp). This variant is present in population databases (no rsID available, gnomAD 0.01%). This variant has not been reported in the literature in individuals affected with CSF2RA-related conditions. ClinVar contains an entry for this variant (Variation ID: 569285). Algorithms developed to predict the effect of missense changes on protein structure and function are either unavailable or do not agree on the potential impact of this missense change (SIFT: "Deleterious"; PolyPhen-2: "Not Available"; Align-GVGD: "Class C0"). In summary, the available evidence is currently insufficient to determine the role of this variant in disease. Therefore, it has been classified as a Variant of Uncertain Significance.

NM_172245.4(CSF2RA):c.706C>T (p.Arg236Trp)

Gene: CSF2RA (colony stimulating factor 2 receptor subunit alpha; plus strand). Cytogenetic location: Xp22.33.
Variant type: single nucleotide variant.
Coding change: c.706C>T on transcript NM_172245.4 (MANE Select); coding-DNA position 706, C replaced by T.
Protein change: p.Arg236Trp; replaces arginine 236 with tryptophan.
Molecular consequence: missense variant. On other transcripts: synonymous variant (1), non-coding transcript variant (1), intron variant (1).
Genome position (GRCh38, 1-based): chrX:1,294,387, C>T. VCF-style: chrX-1294387-C-T. GRCh37 (hg19) VCF-style: chrX-1413280-C-T.
Other names: c.706C>T, p.Arg236Trp (NM_001161529.2, NM_001161530.2, NM_001161531.2 and 18 more transcripts); c.307C>T, p.Arg103Trp (NM_001161532.2); c.687C>T, p.Tyr229= (NM_001379166.1); c.646+3878C>T (NM_172249.4); short protein forms R236W, R103W.
Identifiers: ClinVar variation 569285 (VCV000569285.9), dbSNP rs200071635, ClinGen allele CA10330959.